The following is an entry in ClinVar:

NM_002878.4(RAD51D):c.765_770del (p.253RD[1])

Genes: RAD51D (RAD51 paralog D; minus strand), RAD51L3-RFFL (RAD51L3-RFFL readthrough; minus strand). Cytogenetic location: 17q12.
Variant type: Deletion.
Coding change: c.765_770del on transcript NM_002878.4 (MANE Select); coding-DNA positions 765 to 770, 6 bases deleted (GGACAG; older notation c.765_770delGGACAG).
Protein change: p.253RD[1].
Molecular consequence: inframe deletion. On other transcripts: non-coding transcript variant (3).
Genome position (GRCh38, 1-based): chr17:35,101,334-35,101,339, CTGTCC deleted on the plus strand (GGACAG on the coding strand, the reverse complement: RAD51D is on the minus strand); deleting any 6 consecutive bases within chr17:35,101,334-35,101,344 gives the same sequence; the c. name uses the placement nearest the transcript's 3' end. VCF-style (leftmost placement, unchanged base first): chr17-35101333-GCTGTCC-G. GRCh37 (hg19) VCF-style: chr17-33428352-GCTGTCC-G.
Other names: c.825_830del, p.273RD[1] (NM_001142571.2); c.429_434del, p.141RD[1] (NM_133629.3); c.765_770delGGACAG (NM_002878.3).
Identifiers: ClinVar variation 1487963 (VCV001487963.7), dbSNP rs2142412251, ClinGen allele CA2573153483.
Genomic context (GRCh38, chr17:35,101,333, plus strand): 5'-GAGAATCCGAGTGCTGGGCACAAAGCTCCAGGAGCGTCCGAGGGCAGGTTTGAGCCTCCC[GCTGTCC>G]CTGTCTCGAGTTATGTGGTTGGTCACCTGCAGCAGAAACAGACTTACAGATCCATAATGC-3'

ClinVar aggregate classification (germline): Uncertain significance. Review status: criteria provided, multiple submitters, no conflicts (2 of 4 stars). 2 submissions from 2 submitters: Uncertain significance (2). Last evaluated 2026-01-13.

Conditions:
Hereditary cancer-predisposing syndrome. Also called: Neoplastic Syndromes, Hereditary; Tumor predisposition; Hereditary Cancer Syndrome; Hereditary neoplastic syndrome. Identifiers: Orphanet 140162, MedGen C0027672, MeSH D009386, MONDO:0015356.
Breast-ovarian cancer, familial, susceptibility to, 4. Identifiers: Orphanet 145, MedGen C3280345, MONDO:0013669, OMIM 614291.

Submissions (2):

Ambry Genetics
Classification: Uncertain significance for Hereditary cancer-predisposing syndrome. Last evaluated: 2026-01-13. Review status: criteria provided, single submitter. Criteria: Ambry Variant Classification Scheme 2023. Collection method: clinical testing. Allele origin: germline.
Comment: The c.765_770delGGACAG variant (also known as p.R255_D256del) is located in coding exon 9 of the RAD51D gene. This variant results from an in-frame GGACAG deletion at nucleotide positions 765 to 770. This results in the in-frame deletion of two residues (RD) at codons 255 and 256. These amino acid positions are well conserved in available vertebrate species. In addition, this variant is predicted to be deleterious by in silico analysis (Choi Y et al. PLoS ONE. 2012; 7(10):e46688). Based on the available evidence, the clinical significance of this variant remains unclear.

Labcorp Genetics (formerly Invitae), Labcorp
Classification: Uncertain significance for Breast-ovarian cancer, familial, susceptibility to, 4. Last evaluated: 2021-10-18. Review status: criteria provided, single submitter. Criteria: Invitae Variant Classification Sherloc (09022015). Collection method: clinical testing. Allele origin: germline.
Comment: In summary, the available evidence is currently insufficient to determine the role of this variant in disease. Therefore, it has been classified as a Variant of Uncertain Significance. Experimental studies and prediction algorithms are not available or were not evaluated, and the functional significance of this variant is currently unknown. This variant has not been reported in the literature in individuals affected with RAD51D-related conditions. This variant is not present in population databases (ExAC no frequency). This variant, c.765_770del, results in the deletion of 2 amino acid(s) of the RAD51D protein (p.Arg255_Asp256del), but otherwise preserves the integrity of the reading frame.